The following is an entry in ClinVar:

ClinVar aggregate classification (germline): Uncertain significance (1 of 4 stars; one submission).

Conditions:
Long QT syndrome (LQTS). Identifiers: MedGen C0023976, MeSH D008133, MONDO:0002442. Disease mechanism: loss of function. Inheritance: Various modes of inheritance.

Allele frequency attached by ClinVar (database versions not stated): gnomAD exomes below 0.00001; ExAC 0.00001; gnomAD 0.00001; TOPMed 0.00001.
gnomAD v4.1: 3 of 1,613,998 alleles (0.00019%); highest among the groups gnomAD compares: Non-Finnish European, 0.00017%; no homozygotes.

Submission:

Labcorp Genetics (formerly Invitae), Labcorp
Classification: Uncertain significance for Long QT syndrome. Last evaluated: 2025-01-19. Review status: criteria provided, single submitter. Criteria: Invitae Variant Classification Sherloc (09022015). Collection method: clinical testing. Allele origin: germline.
Comment: This sequence change replaces serine, which is neutral and polar, with glycine, which is neutral and non-polar, at codon 3409 of the ANK2 protein (p.Ser3409Gly). This variant is present in population databases (rs767072859, gnomAD 0.0009%). This variant has not been reported in the literature in individuals affected with ANK2-related conditions. ClinVar contains an entry for this variant (Variation ID: 3006325). An algorithm developed to predict the effect of missense changes on protein structure and function (PolyPhen-2) suggests that this variant is likely to be tolerated. In summary, the available evidence is currently insufficient to determine the role of this variant in disease. Therefore, it has been classified as a Variant of Uncertain Significance.

NM_001148.6(ANK2):c.10225A>G (p.Ser3409Gly)

Gene: ANK2 (ankyrin 2; plus strand). Cytogenetic location: 4q26.
Variant type: single nucleotide variant.
Coding change: c.10225A>G on transcript NM_001148.6 (MANE Select); coding-DNA position 10225, A replaced by G.
Protein change: p.Ser3409Gly; replaces serine 3409 with glycine.
Molecular consequence: missense variant. On other transcripts: intron variant (68).
Genome position (GRCh38, 1-based): chr4:113,358,843, A>G. VCF-style: chr4-113358843-A-G. GRCh37 (hg19) VCF-style: chr4-114279999-A-G.
Other names: c.9991A>G, p.Ser3331Gly (NM_001386142.1); c.6625A>G, p.Ser2209Gly (NM_001386166.1); c.10366A>G, p.Ser3456Gly (NM_001386174.1); c.10342A>G, p.Ser3448Gly (NM_001386175.1); c.4412-1980A>G (NM_001386186.2, NM_001386148.2); c.4214-1980A>G (NM_001354269.3); c.4292-1980A>G (NM_001386187.2); c.4253-1980A>G (NM_001386147.1); and 35 more; short protein forms S2209G, S3448G, S3456G, S3331G, S3409G.
Identifiers: ClinVar variation 3006325 (VCV003006325.3), dbSNP rs767072859, ClinGen allele CA3052042.